The following is an entry in ClinVar:

ClinVar aggregate classification (germline): Benign/Likely benign. Review status: criteria provided, multiple submitters, no conflicts (2 of 4 stars). 9 submissions from 8 submitters: Benign (2); Likely benign (6). 1 of the submissions does not count toward it. Last evaluated 2026-01-28.

Conditions:
Spondylocostal dysostosis 1, autosomal recessive (SCDO1). Also called: DLL3-Related Spondylocostal Dysostosis, Autosomal Recessive. Identifiers: Orphanet 2311, MedGen CN032975, MONDO:0020692, OMIM 277300.
DLL3-related disorder. Also called: DLL3-related condition.
Syndactyly. Also called: Webbed fingers or toes. Identifiers: MedGen C0039075, MONDO:0021002, HP:0001159.

Allele frequency attached by ClinVar (database versions not stated): 1000 Genomes Project 30x 0.00047; 1000 Genomes Project 0.00060; ESP Exome Variant Server 0.00161; gnomAD 0.00199 and 0.00200; TOPMed 0.00205; gnomAD exomes 0.00217 and 0.00235; ExAC 0.00224.
gnomAD v4.1: 3,731 of 1,613,680 alleles (0.23%); highest among the groups gnomAD compares: Middle Eastern, 0.56%; 8 homozygotes.

Submissions (9):

Labcorp Genetics (formerly Invitae), Labcorp
Classification: Benign. Last evaluated: 2026-01-28. Review status: criteria provided, single submitter. Criteria: Invitae Variant Classification Sherloc (09022015). Collection method: clinical testing. Allele origin: germline.

Blueprint Genetics
Classification: Likely benign. Last evaluated: 2024-11-28. Review status: criteria provided, single submitter. Criteria: ACMG Guidelines, 2015. Collection method: clinical testing. Allele origin: germline.

GeneDx
Classification: Likely benign. Last evaluated: 2021-03-05. Review status: criteria provided, single submitter. Criteria: GeneDx Variant Classification Process June 2021. Collection method: clinical testing. Allele origin: germline. Affected: yes.

ARUP Laboratories, Molecular Genetics and Genomics, ARUP Laboratories
Classification: Benign for Spondylocostal dysostosis 1, autosomal recessive. Last evaluated: 2019-05-03. Review status: criteria provided, single submitter. Criteria: ARUP Molecular Germline Variant Investigation Process. Collection method: clinical testing. Allele origin: germline.

Illumina Laboratory Services, Illumina
Classification: Likely benign for Non-syndromic syndactyly. Last evaluated: 2018-01-12. Review status: criteria provided, single submitter. Criteria: ICSL Variant Classification Criteria 13 December 2019. Collection method: clinical testing. Allele origin: germline.
Comment: This variant was observed in the ICSL laboratory as part of a predisposition screen in an ostensibly healthy population. It had not been previously curated by ICSL or reported in the Human Gene Mutation Database (HGMD: prior to June 1st, 2018), and was therefore a candidate for classification through an automated scoring system. Utilizing variant allele frequency, disease prevalence and penetrance estimates, and inheritance mode, an automated score was calculated to assess if this variant is too frequent to cause the disease. Based on the score and internal cut-off values, a variant classified as likely benign is not then subjected to further curation. The score for this variant resulted in a classification of likely benign for this disease.

Illumina Laboratory Services, Illumina
Classification: Likely benign for Spondylocostal dysostosis 1, autosomal recessive. Last evaluated: 2018-01-12. Review status: criteria provided, single submitter. Criteria: ICSL Variant Classification Criteria 13 December 2019. Collection method: clinical testing. Allele origin: germline.
Comment: the same text as in the submission from Illumina Laboratory Services, Illumina above.

Eurofins Ntd Llc (ga)
Classification: Likely benign. Last evaluated: 2016-01-08. Review status: criteria provided, single submitter. Criteria: EGL Classification Definitions 2015. Collection method: clinical testing. Allele origin: germline. Observed: 1 variant allele, 1 heterozygote.

Breakthrough Genomics
Classification: Likely benign. Review status: criteria provided, single submitter. Criteria: ACMG Guidelines, 2015. Collection method: not provided. Allele origin: germline. Inheritance: Autosomal recessive inheritance. Affected: yes.

PreventionGenetics, part of Exact Sciences
Classification: Likely benign for DLL3-related condition. Last evaluated: 2020-01-22. Review status: no assertion criteria provided. Collection method: clinical testing. Allele origin: germline. Not counted in ClinVar's aggregate classification.
Comment: This variant is classified as likely benign based on ACMG/AMP sequence variant interpretation guidelines (Richards et al. 2015 PMID: 25741868, with internal and published modifications).

NM_203486.3(DLL3):c.390G>A (p.Glu130=)

Gene: DLL3 (delta like canonical Notch ligand 3; plus strand). Cytogenetic location: 19q13.2.
Variant type: single nucleotide variant.
Coding change: c.390G>A on transcript NM_203486.3 (MANE Select); coding-DNA position 390, G replaced by A.
Protein change: p.Glu130=; no amino-acid change (glutamic acid 130 retained).
Molecular consequence: synonymous variant.
Genome position (GRCh38, 1-based): chr19:39,500,653, G>A. VCF-style: chr19-39500653-G-A. GRCh37 (hg19) VCF-style: chr19-39991293-G-A.
Other names: c.390G>A, p.Glu130= (NM_016941.4).
Identifiers: ClinVar variation 285283 (VCV000285283.32), dbSNP rs113780398, ClinGen allele CA9432178.